The following is an entry in ClinVar:

ClinVar aggregate classification (germline): Uncertain significance (1 of 4 stars; one submission).

Conditions:
Emery-Dreifuss muscular dystrophy (EDMD). Also called: Scapuloperoneal syndrome, X-linked (formerly); Humeroperoneal neuromuscular disease, (formerly). Identifiers: Orphanet 261, MedGen C0410189, MONDO:0016830.

gnomAD v4.1: 14 of 1,613,966 alleles (0.00087%); highest among the groups gnomAD compares: East Asian, 0.0022%; no homozygotes.

Submission:

Labcorp Genetics (formerly Invitae), Labcorp
Classification: Uncertain significance for Emery-Dreifuss muscular dystrophy. Last evaluated: 2025-06-10. Review status: criteria provided, single submitter. Criteria: Invitae Variant Classification Sherloc (09022015). Collection method: clinical testing. Allele origin: germline.
Comment: This sequence change replaces glutamic acid, which is acidic and polar, with lysine, which is basic and polar, at codon 672 of the SUN2 protein (p.Glu672Lys). This variant is not present in population databases (gnomAD no frequency). This variant has not been reported in the literature in individuals affected with SUN2-related conditions. An algorithm developed to predict the effect of missense changes on protein structure and function (PolyPhen-2) suggests that this variant is likely to be tolerated. In summary, the available evidence is currently insufficient to determine the role of this variant in disease. Therefore, it has been classified as a Variant of Uncertain Significance.

NM_015374.3(SUN2):c.2014G>A (p.Glu672Lys)

Genes: SUN2 (Sad1 and UNC84 domain containing 2; minus strand), GTPBP1 (GTP binding protein 1; plus strand). Cytogenetic location: 22q13.1.
Variant type: single nucleotide variant.
Coding change: c.2014G>A on transcript NM_015374.3 (MANE Select); coding-DNA position 2014, G replaced by A.
Protein change: p.Glu672Lys; replaces glutamic acid 672 with lysine.
Molecular consequence: missense variant.
Genome position (GRCh38, 1-based): chr22:38,738,199, C>T on the plus strand (G>A on the coding strand, the complement: SUN2 is on the minus strand). VCF-style: chr22-38738199-C-T. GRCh37 (hg19) VCF-style: chr22-39134204-C-T.
Other names: c.1438G>A, p.Glu480Lys (NM_001394444.1, NM_001394445.1); c.2077G>A, p.Glu693Lys (NM_001199579.2, NM_001394428.1); c.2014G>A, p.Glu672Lys (NM_001199580.2, NM_001394431.1, NM_001394432.1 and 3 more transcripts); c.2107G>A, p.Glu703Lys (NM_001394427.1); c.2059G>A, p.Glu687Lys (NM_001394429.1, NM_001394430.1); c.2011G>A, p.Glu671Lys (NM_001394436.1, NM_001394437.1); c.1924G>A, p.Glu642Lys (NM_001394438.1); c.1876G>A, p.Glu626Lys (NM_001394439.1, NM_001394440.1, NM_001394441.1); and 2 more; short protein forms E480K, E508K, E539K, E626K, E642K, E671K, E672K, E687K.
Identifiers: ClinVar variation 4797821 (VCV004797821.1).
Genomic context (GRCh38, chr22:38,738,199, plus strand): 5'-GCGCCACTTCTGCTAGCACAGCAGCATCCCGTACCTGAAAGTGAAACGTCTGAATAGGCT[C>T]GCCGTCCTGATCGTAAGTGAACTTGCCAAGGAGTGTCCCCTCCTGCTGCAGGTCTTCGTC-3'
Protein context (NP_056189.1, residues 662-682): LGKFTYDQDG[Glu672Lys]PIQTFHFQAP